The following is an entry in ClinVar:

ClinVar aggregate classification (germline): Likely benign (1 of 4 stars; one submission).

Allele frequency attached by ClinVar (database versions not stated): ExAC 0.00009.

Submission:

CeGaT Center for Human Genetics Tuebingen
Classification: Likely benign. Last evaluated: 2024-03-01. Review status: criteria provided, single submitter. Criteria: CeGaT Center For Human Genetics Tuebingen Variant Classification Criteria Version 2. Collection method: clinical testing. Allele origin: germline. Affected: yes. Observed: 1 variant allele.
Comment: NBPF9: BS2

NM_001388367.1(NBPF9):c.1142G>A (p.Arg381Lys)

Gene: NBPF9 (NBPF member 9; minus strand). Cytogenetic location: 1q21.2.
Variant type: single nucleotide variant.
Coding change: c.1142G>A on transcript NM_001388367.1 (MANE Select); coding-DNA position 1142, G replaced by A.
Protein change: p.Arg381Lys; replaces arginine 381 with lysine.
Molecular consequence: missense variant.
Genome position (GRCh38, 1-based): chr1:149,072,882, C>T on the plus strand (G>A on the coding strand, the complement: NBPF9 is on the minus strand). VCF-style: chr1-149072882-C-T. GRCh37 (hg19) VCF-style: chr1-144814730-G-A.
Other names: c.1142G>A, p.Arg381Lys (NM_001388378.1, NM_001388379.1, NM_001388381.1 and 16 more transcripts); short protein forms R381K.
Identifiers: ClinVar variation 3067405 (VCV003067405.21), dbSNP rs781861714, ClinGen allele CA342447257.
Genomic context (GRCh38, chr1:149,072,882, plus strand): 5'-AGGGCCTGGAGATGCTCATTCAATGAGCGGGAGGCATCTCTCCCTTCCCGCAACTTCTCC[C>T]TTAACTGGGTCAGCTCTCGTTCCTGAGCGTGAACCAGGACTTTATATTGCCTAAGGTGAG-3'
Protein context (NP_001375296.1, residues 371-391): HAQERELTQL[Arg381Lys]EKLREGRDAS